The following is an entry in ClinVar:

NM_000455.5(STK11):c.202G>T (p.Asp68Tyr)

Gene: STK11 (serine/threonine kinase 11; plus strand). Cytogenetic location: 19p13.3.
Variant type: single nucleotide variant.
Coding change: c.202G>T on transcript NM_000455.5 (MANE Select); coding-DNA position 202, G replaced by T.
Protein change: p.Asp68Tyr; replaces aspartic acid 68 with tyrosine.
Molecular consequence: missense variant.
Genome position (GRCh38, 1-based): chr19:1,207,115, G>T. VCF-style: chr19-1207115-G-T. GRCh37 (hg19) VCF-style: chr19-1207114-G-T.
Other names: short protein forms D68Y.
Identifiers: ClinVar variation 943543 (VCV000943543.9), dbSNP rs779734289, ClinGen allele CA402944296.

ClinVar aggregate classification (germline): Uncertain significance (1 of 4 stars; one submission).

Conditions:
Peutz-Jeghers syndrome (PJS). Also called: Peutz-Jeghers polyposis; Periorificial lentiginosis syndrome; POLYPOSIS, HAMARTOMATOUS INTESTINAL; POLYPS-AND-SPOTS SYNDROME. Identifiers: Orphanet 2869, MedGen C0031269, MeSH D010580, MONDO:0008280, OMIM 175200.

Submission:

Labcorp Genetics (formerly Invitae), Labcorp
Classification: Uncertain significance for Peutz-Jeghers syndrome. Last evaluated: 2019-07-02. Review status: criteria provided, single submitter. Criteria: Invitae Variant Classification Sherloc (09022015). Collection method: clinical testing. Allele origin: germline.
Comment: In summary, the available evidence is currently insufficient to determine the role of this variant in disease. Therefore, it has been classified as a Variant of Uncertain Significance. Algorithms developed to predict the effect of missense changes on protein structure and function (SIFT, PolyPhen-2, Align-GVGD) all suggest that this variant is likely to be disruptive, but these predictions have not been confirmed by published functional studies and their clinical significance is uncertain. This variant has not been reported in the literature in individuals with STK11-related conditions. This variant is not present in population databases (ExAC no frequency). This sequence change replaces aspartic acid with tyrosine at codon 68 of the STK11 protein (p.Asp68Tyr). The aspartic acid residue is highly conserved and there is a large physicochemical difference between aspartic acid and tyrosine.